The following is an entry in ClinVar:

NM_016532.4(INPP5K):c.960G>A (p.Leu320=)

Gene: INPP5K (inositol polyphosphate-5-phosphatase K; minus strand). Cytogenetic location: 17p13.3.
Variant type: single nucleotide variant.
Coding change: c.960G>A on transcript NM_016532.4 (MANE Select); coding-DNA position 960, G replaced by A.
Protein change: p.Leu320=; no amino-acid change (leucine 320 retained).
Molecular consequence: synonymous variant.
Genome position (GRCh38, 1-based): chr17:1,497,939, C>T on the plus strand (G>A on the coding strand, the complement: INPP5K is on the minus strand). VCF-style: chr17-1497939-C-T. GRCh37 (hg19) VCF-style: chr17-1401233-C-T.
Other names: c.732G>A, p.Leu244= (NM_001135642.2, NM_130766.3).
Identifiers: ClinVar variation 3048352 (VCV003048352.2), dbSNP rs2543894615, ClinGen allele CA497278951.

ClinVar aggregate classification (germline): Likely benign (0 of 4 stars; one submission).

Conditions:
INPP5K-related disorder. Also called: INPP5K-related condition.

Submission:

PreventionGenetics, part of Exact Sciences
Classification: Likely benign for INPP5K-related condition. Last evaluated: 2023-06-08. Review status: no assertion criteria provided. Collection method: clinical testing. Allele origin: germline.
Comment: This variant is classified as likely benign based on ACMG/AMP sequence variant interpretation guidelines (Richards et al. 2015 PMID: 25741868, with internal and published modifications).